The following is an entry in ClinVar:

ClinVar aggregate classification (germline): Conflicting classifications of pathogenicity. Review status: criteria provided, conflicting classifications (1 of 4 stars). 11 submissions from 11 submitters: Uncertain significance (1); Benign (5); Likely benign (2). 3 of the submissions do not count toward it. Last evaluated 2026-02-04.

Conditions:
Polycystic kidney disease 4 (PKD4). Also called: POLYCYSTIC KIDNEY AND HEPATIC DISEASE 1; POLYCYSTIC KIDNEY DISEASE, INFANTILE, TYPE I; POLYCYSTIC KIDNEY DISEASE 4 WITH OR WITHOUT POLYCYSTIC LIVER DISEASE; PKD3; Autosomal Recessive Polycystic Kidney Disease – PKHD1. Identifiers: MedGen C4540575, MONDO:0033004, OMIM 263200.
Autosomal recessive polycystic kidney disease (ARPKD). Also called: AR polycystic kidney disease. Identifiers: Orphanet 731, Orphanet 8378, MedGen C0085548, MeSH D017044, MONDO:0009889.

Allele frequency attached by ClinVar (database versions not stated): ESP Exome Variant Server 0.00038; TOPMed 0.00192; 1000 Genomes Project 0.00379; 1000 Genomes Project 30x 0.00406; ExAC 0.00558; gnomAD 0.00628 and 0.00646; gnomAD exomes 0.00746.
gnomAD v4.1: 5,061 of 1,612,630 alleles (0.31%); highest among the groups gnomAD compares: Admixed American, 0.92%; 120 homozygotes.

Submissions (11):

Labcorp Genetics (formerly Invitae), Labcorp
Classification: Benign for Autosomal recessive polycystic kidney disease. Last evaluated: 2026-02-04. Review status: criteria provided, single submitter. Criteria: Invitae Variant Classification Sherloc (09022015). Collection method: clinical testing. Allele origin: germline.

Blueprint Genetics
Classification: Likely benign. Last evaluated: 2024-11-25. Review status: criteria provided, single submitter. Criteria: ACMG Guidelines, 2015. Collection method: clinical testing. Allele origin: germline.

CeGaT Center for Human Genetics Tuebingen
Classification: Benign. Last evaluated: 2024-07-01. Review status: criteria provided, single submitter. Criteria: CeGaT Center For Human Genetics Tuebingen Variant Classification Criteria Version 2. Collection method: clinical testing. Allele origin: germline. Affected: yes. Observed: 1 variant allele.
Comment: PKHD1: BP4, BS1, BS2

Department of Pathology and Laboratory Medicine, Sinai Health System
Classification: Benign for Polycystic kidney disease 4. Last evaluated: 2024-01-29. Review status: criteria provided, single submitter. Criteria: ACMG Guidelines, 2015. Collection method: clinical testing. Allele origin: germline. Affected: yes.

GeneDx
Classification: Benign. Last evaluated: 2018-07-05. Review status: criteria provided, single submitter. Criteria: GeneDx Variant Classification Process June 2021. Collection method: clinical testing. Allele origin: germline. Affected: yes.

Illumina Laboratory Services, Illumina
Classification: Uncertain significance for Polycystic kidney disease 4. Last evaluated: 2018-01-12. Review status: criteria provided, single submitter. Criteria: ICSL Variant Classification Criteria 13 December 2019. Collection method: clinical testing. Allele origin: germline.

Eurofins Ntd Llc (ga)
Classification: Benign. Last evaluated: 2015-01-20. Review status: criteria provided, single submitter. Criteria: EGL Classification Definitions 2015. Collection method: clinical testing. Allele origin: germline. Observed: 1 variant allele, 1 heterozygote.

PreventionGenetics, part of Exact Sciences
Classification: Likely benign. Review status: criteria provided, single submitter. Criteria: ACMG Guidelines, 2015. Collection method: clinical testing. Allele origin: germline.

Natera, Inc.
Classification: Benign for Autosomal recessive polycystic kidney disease. Last evaluated: 2017-06-30. Review status: no assertion criteria provided. Collection method: clinical testing. Allele origin: germline. Not counted in ClinVar's aggregate classification.

Clinical Genetics DNA and cytogenetics Diagnostics Lab, Erasmus MC, Erasmus Medical Center
Classification: Benign. Review status: no assertion criteria provided. Collection method: clinical testing. Allele origin: germline. Affected: yes. Study: VKGL Data-share Consensus. Not counted in ClinVar's aggregate classification.

Laboratory of Diagnostic Genome Analysis, Leiden University Medical Center (LUMC)
Classification: Likely benign. Review status: no assertion criteria provided. Collection method: clinical testing. Allele origin: germline. Affected: yes. Study: VKGL Data-share Consensus. Not counted in ClinVar's aggregate classification.

Literature cited by the submitters: PubMed 31056860 (cited by Department of Pathology and Laboratory Medicine, Sinai Health System).

NM_138694.4(PKHD1):c.6245C>T (p.Thr2082Ile)

Gene: PKHD1 (PKHD1 ciliary IPT domain containing fibrocystin/polyductin; minus strand). Cytogenetic location: 6p12.2.
Variant type: single nucleotide variant.
Coding change: c.6245C>T on transcript NM_138694.4 (MANE Select); coding-DNA position 6245, C replaced by T.
Protein change: p.Thr2082Ile; replaces threonine 2082 with isoleucine.
Molecular consequence: missense variant.
Genome position (GRCh38, 1-based): chr6:51,912,453, G>A on the plus strand (C>T on the coding strand, the complement: PKHD1 is on the minus strand). VCF-style: chr6-51912453-G-A. GRCh37 (hg19) VCF-style: chr6-51777251-G-A.
Other names: c.6245C>T, p.Thr2082Ile (NM_170724.3); short protein forms T2082I.
Identifiers: ClinVar variation 197049 (VCV000197049.50), dbSNP rs147487242, ClinGen allele CA202674.